The following is an entry in ClinVar:

ClinVar aggregate classification (germline): Uncertain significance (1 of 4 stars; one submission).

Allele frequency attached by ClinVar (database versions not stated): gnomAD exomes below 0.00001.
gnomAD v4.1: 4 of 1,590,304 alleles (0.00025%); highest among the groups gnomAD compares: East Asian, 0.0023%; no homozygotes.

Submission:

GeneDx
Classification: Uncertain significance. Last evaluated: 2022-10-20. Review status: criteria provided, single submitter. Criteria: GeneDx Variant Classification Process June 2021. Collection method: clinical testing. Allele origin: germline. Affected: yes.
Comment: Not observed at significant frequency in large population cohorts (gnomAD); In silico analysis supports that this missense variant does not alter protein structure/function; Has not been previously published as pathogenic or benign to our knowledge

NM_001368809.2(AMPD2):c.1523G>A (p.Arg508His)

Genes: AMPD2 (adenosine monophosphate deaminase 2; plus strand), LOC126805822 (BRD4-independent group 4 enhancer GRCh37_chr1:110170748-110171947; plus strand). Cytogenetic location: 1p13.3.
Variant type: single nucleotide variant.
Coding change: c.1523G>A on transcript NM_001368809.2 (MANE Select); coding-DNA position 1523, G replaced by A.
Protein change: p.Arg508His; replaces arginine 508 with histidine.
Molecular consequence: missense variant.
Genome position (GRCh38, 1-based): chr1:109,628,758, G>A. VCF-style: chr1-109628758-G-A. GRCh37 (hg19) VCF-style: chr1-110171380-G-A.
Other names: c.1685G>A (NM_001257360.1); c.1331G>A, p.Arg444His (NM_001257361.2); c.1460G>A, p.Arg487His (NM_001308170.1); c.1523G>A, p.Arg508His (NM_004037.9); c.1442G>A, p.Arg481His (NM_139156.4); short protein forms R444H, R481H, R487H, R508H.
Identifiers: ClinVar variation 2499780 (VCV002499780.1), dbSNP rs982118760, ClinGen allele CA28696375.